The following is an entry in ClinVar:

ClinVar aggregate classification (germline): Uncertain significance. Review status: criteria provided, multiple submitters, no conflicts (2 of 4 stars). 3 submissions from 3 submitters: Uncertain significance (3). Last evaluated 2025-08-14.

Conditions:
Inborn genetic diseases. Identifiers: MedGen C0950123, MeSH D030342.
Epidermolysis bullosa simplex 7, with nephropathy and deafness. Also called: Nephropathy with Pretibial Epidermolysis Bullosa and Deafness; Nephrotic syndrome - deafness - pretibial epidermolysis bullosa syndrome. Identifiers: Orphanet 300333, MedGen C1836823, MONDO:0012190, OMIM 609057.
RAPH BLOOD GROUP SYSTEM. Also called: MER2 BLOOD CELL ANTIGEN EXPRESSION. Identifiers: MedGen C1867341, OMIM 179620.

Allele frequency attached by ClinVar (database versions not stated): gnomAD 0.00003; TOPMed 0.00003; ExAC 0.00004; gnomAD exomes 0.00004.
gnomAD v4.1: 51 of 1,612,540 alleles (0.0032%); highest among the groups gnomAD compares: Middle Eastern, 0.016%; no homozygotes.

Submissions (3):

Ambry Genetics
Classification: Uncertain significance for Inborn genetic diseases. Last evaluated: 2025-08-14. Review status: criteria provided, single submitter. Criteria: Ambry Variant Classification Scheme 2023. Collection method: clinical testing. Allele origin: germline.

Labcorp Genetics (formerly Invitae), Labcorp
Classification: Uncertain significance. Last evaluated: 2022-10-19. Review status: criteria provided, single submitter. Criteria: Invitae Variant Classification Sherloc (09022015). Collection method: clinical testing. Allele origin: germline.
Comment: This sequence change replaces isoleucine, which is neutral and non-polar, with leucine, which is neutral and non-polar, at codon 99 of the CD151 protein (p.Ile99Leu). This variant is present in population databases (rs777391775, gnomAD 0.01%). This variant has not been reported in the literature in individuals affected with CD151-related conditions. ClinVar contains an entry for this variant (Variation ID: 1431457). Algorithms developed to predict the effect of missense changes on protein structure and function output the following: SIFT: "Tolerated"; PolyPhen-2: "Benign"; Align-GVGD: "Class C0". The leucine amino acid residue is found in multiple mammalian species, which suggests that this missense change does not adversely affect protein function. In summary, the available evidence is currently insufficient to determine the role of this variant in disease. Therefore, it has been classified as a Variant of Uncertain Significance.

Fulgent Genetics
Classification: Uncertain significance for RAPH BLOOD GROUP SYSTEM; Epidermolysis bullosa simplex 7, with nephropathy and deafness. Last evaluated: 2021-12-23. Review status: criteria provided, single submitter. Criteria: ACMG Guidelines, 2015. Collection method: clinical testing. Allele origin: unknown.

NM_004357.5(CD151):c.295A>C (p.Ile99Leu)

Gene: CD151 (CD151 molecule (Raph blood group); plus strand). Cytogenetic location: 11p15.5.
Variant type: single nucleotide variant.
Coding change: c.295A>C on transcript NM_004357.5 (MANE Select); coding-DNA position 295, A replaced by C.
Protein change: p.Ile99Leu; replaces isoleucine 99 with leucine.
Molecular consequence: missense variant.
Genome position (GRCh38, 1-based): chr11:836,787, A>C. VCF-style: chr11-836787-A-C. GRCh37 (hg19) VCF-style: chr11-836787-A-C.
Other names: c.295A>C (NM_004357.4); c.295A>C, p.Ile99Leu (NM_001039490.2, NM_139029.2, NM_139030.4); short protein forms I99L.
Identifiers: ClinVar variation 1431457 (VCV001431457.9), dbSNP rs777391775, ClinGen allele CA5792144.